The following is an entry in ClinVar:

ClinVar aggregate classification (germline): Uncertain significance. Review status: criteria provided, multiple submitters, no conflicts (2 of 4 stars). 2 submissions from 2 submitters: Uncertain significance (2). Last evaluated 2025-07-30.

Conditions:
CEP290-related disorder. Also called: CEP290-related condition; CEP290-related disorders. Identifiers: MedGen CN239314.
Leber congenital amaurosis 10 (LCA10). Identifiers: Orphanet 65, MedGen C1857821, MONDO:0012723, OMIM 611755.
Meckel syndrome, type 4 (MKS4). Also called: MECKEL-GRUBER SYNDROME, TYPE 4. Identifiers: Orphanet 564, MedGen C1970161, MONDO:0012626, OMIM 611134.
Senior-Loken syndrome 6 (SLSN6). Identifiers: Orphanet 3156, MedGen C1857779, MONDO:0012433, OMIM 610189.
Joubert syndrome 5 (JBTS5). Identifiers: Orphanet 2318, MedGen C1857780, MONDO:0012432, OMIM 610188.
Bardet-Biedl syndrome 14 (BBS14). Identifiers: Orphanet 110, MedGen C2673874, MONDO:0014442, OMIM 615991.

Submissions (2):

PreventionGenetics, part of Exact Sciences
Classification: Uncertain significance for CEP290-related condition. Last evaluated: 2025-07-30. Review status: criteria provided, single submitter. Criteria: ACMG Guidelines, 2015. Collection method: clinical testing. Allele origin: germline.
Comment: The CEP290 c.3358G>A variant is predicted to result in the amino acid substitution p.Asp1120Asn. To our knowledge, this variant has not been reported in the literature or in a large population database (gnomAD), indicating this variant is rare. At this time, the clinical significance of this variant is uncertain due to the absence of conclusive functional and genetic evidence.

Fulgent Genetics
Classification: Uncertain significance for Joubert syndrome 5; Senior-Loken syndrome 6; Meckel syndrome, type 4; Leber congenital amaurosis 10; Bardet-Biedl syndrome 14. Last evaluated: 2024-04-10. Review status: criteria provided, single submitter. Criteria: ACMG Guidelines, 2015. Collection method: clinical testing. Allele origin: germline.

NM_025114.4(CEP290):c.3358G>A (p.Asp1120Asn)

Gene: CEP290 (centrosomal protein 290; minus strand). Cytogenetic location: 12q21.32.
Variant type: single nucleotide variant.
Coding change: c.3358G>A on transcript NM_025114.4 (MANE Select); coding-DNA position 3358, G replaced by A.
Protein change: p.Asp1120Asn; replaces aspartic acid 1120 with asparagine.
Molecular consequence: missense variant.
Genome position (GRCh38, 1-based): chr12:88,092,784, C>T on the plus strand (G>A on the coding strand, the complement: CEP290 is on the minus strand). VCF-style: chr12-88092784-C-T. GRCh37 (hg19) VCF-style: chr12-88486561-C-T.
Other names: c.3358G>A (NM_025114.3); short protein forms D1120N.
Identifiers: ClinVar variation 3575435 (VCV003575435.2).